The following is an entry in ClinVar:

NM_000091.5(COL4A3):c.2197G>T (p.Gly733Ter)

Genes: MFF-DT (MFF divergent transcript; minus strand), COL4A3 (collagen type IV alpha 3 chain; plus strand). Cytogenetic location: 2q36.3.
Variant type: single nucleotide variant.
Coding change: c.2197G>T on transcript NM_000091.5 (MANE Select); coding-DNA position 2197, G replaced by T.
Protein change: p.Gly733Ter; replaces glycine 733 with a stop codon.
Molecular consequence: nonsense.
Genome position (GRCh38, 1-based): chr2:227,279,864, G>T. VCF-style: chr2-227279864-G-T. GRCh37 (hg19) VCF-style: chr2-228144580-G-T.
Other names: short protein forms G733*.
Identifiers: ClinVar variation 984361 (VCV000984361.4), dbSNP rs2071839316, ClinGen allele CA350847850.

ClinVar aggregate classification (germline): Pathogenic/Likely pathogenic. Review status: criteria provided, multiple submitters, no conflicts (2 of 4 stars). 2 submissions from 2 submitters: Pathogenic (1); Likely pathogenic (1). Last evaluated 2025-06-12.

Conditions:
Autosomal recessive Alport syndrome (ATS2). Also called: ALPORT SYNDROME 2, AUTOSOMAL RECESSIVE; Alport syndrome type 2; COL4A4 Alport Syndrome and Thin Basement Membrane Nephropathy; COL4A3-Related Nephropathy. Identifiers: Orphanet 63, Orphanet 88919, MedGen C4746745, MONDO:0008762, OMIM 203780.

Allele frequency attached by ClinVar (database versions not stated): TOPMed below 0.00001; gnomAD 0.00001.
gnomAD v4.1: 1 of 1,608,070 alleles (0.000062%); highest among the groups gnomAD compares: African/African-American, 0.0013%; no homozygotes.

Submissions (2):

Labcorp Genetics (formerly Invitae), Labcorp
Classification: Pathogenic. Last evaluated: 2025-06-12. Review status: criteria provided, single submitter. Criteria: Invitae Variant Classification Sherloc (09022015). Collection method: clinical testing. Allele origin: germline.
Comment: This sequence change creates a premature translational stop signal (p.Gly733*) in the COL4A3 gene. It is expected to result in an absent or disrupted protein product. Loss-of-function variants in COL4A3 are known to be pathogenic (PMID: 8956999, 24854265, 26809805, 27281700). This variant is not present in population databases (gnomAD no frequency). This variant has not been reported in the literature in individuals affected with COL4A3-related conditions. ClinVar contains an entry for this variant (Variation ID: 984361). For these reasons, this variant has been classified as Pathogenic.

Myriad Genetics, Inc.
Classification: Likely pathogenic for Autosomal recessive Alport syndrome. Last evaluated: 2019-12-20. Review status: criteria provided, single submitter. Criteria: Myriad Women's Health Autosomal Recessive and X-Linked Classification Criteria (2019). Collection method: clinical testing. Allele origin: unknown.
Comment: NM_000091.4(COL4A3):c.2197G>T(G733*) is expected to be pathogenic in the context of COL4A3-related Alport syndrome. This variant is predicted to lead to an abnormal or absent protein product due to the creation of a premature termination codon in COL4A3, a gene where loss-of-function variants are known to be pathogenic. Please note: this variant was assessed in the context of healthy population screening.

Literature cited by the submitters: PubMed 8956999 (cited by Labcorp Genetics (formerly Invitae), Labcorp); PubMed 24854265 (cited by Labcorp Genetics (formerly Invitae), Labcorp); PubMed 26809805 (cited by Labcorp Genetics (formerly Invitae), Labcorp); PubMed 27281700 (cited by Labcorp Genetics (formerly Invitae), Labcorp).